The following is an entry in ClinVar:

NM_004304.5(ALK):c.2396A>G (p.Asn799Ser)

Gene: ALK (ALK receptor tyrosine kinase; minus strand). Cytogenetic location: 2p23.2.
Variant type: single nucleotide variant.
Coding change: c.2396A>G on transcript NM_004304.5 (MANE Select); coding-DNA position 2396, A replaced by G.
Protein change: p.Asn799Ser; replaces asparagine 799 with serine.
Molecular consequence: missense variant.
Genome position (GRCh38, 1-based): chr2:29,233,656, T>C on the plus strand (A>G on the coding strand, the complement: ALK is on the minus strand). VCF-style: chr2-29233656-T-C. GRCh37 (hg19) VCF-style: chr2-29456522-T-C.
Other names: c.2396A>G (NM_004304.4); short protein forms N799S.
Identifiers: ClinVar variation 1356932 (VCV001356932.9), dbSNP rs563120454, ClinGen allele CA1594323.

ClinVar aggregate classification (germline): Uncertain significance. Review status: criteria provided, multiple submitters, no conflicts (2 of 4 stars). 2 submissions from 2 submitters: Uncertain significance (2). Last evaluated 2024-05-23.

Conditions:
Neuroblastoma, susceptibility to, 3. Also called: ALK-Related Neuroblastic Tumor Susceptibility. Identifiers: Orphanet 635, MedGen C2751681, MONDO:0013083, OMIM 613014.
Hereditary cancer-predisposing syndrome. Also called: Hereditary Cancer Syndrome; Hereditary neoplastic syndrome; Tumor predisposition; Neoplastic Syndromes, Hereditary. Identifiers: Orphanet 140162, MedGen C0027672, MeSH D009386, MONDO:0015356.

Allele frequency attached by ClinVar (database versions not stated): gnomAD exomes below 0.00001; ExAC 0.00001; 1000 Genomes Project 30x 0.00016; 1000 Genomes Project 0.00020.

Submissions (2):

Ambry Genetics
Classification: Uncertain significance for Hereditary cancer-predisposing syndrome. Last evaluated: 2024-05-23. Review status: criteria provided, single submitter. Criteria: Ambry Variant Classification Scheme 2023. Collection method: clinical testing. Allele origin: germline.
Comment: The p.N799S variant (also known as c.2396A>G), located in coding exon 14 of the ALK gene, results from an A to G substitution at nucleotide position 2396. The asparagine at codon 799 is replaced by serine, an amino acid with highly similar properties. This amino acid position is conserved. In addition, this alteration is predicted to be tolerated by in silico analysis. Based on the available evidence, the clinical significance of this variant remains unclear.

Labcorp Genetics (formerly Invitae), Labcorp
Classification: Uncertain significance for Neuroblastoma, susceptibility to, 3. Last evaluated: 2021-06-02. Review status: criteria provided, single submitter. Criteria: Invitae Variant Classification Sherloc (09022015). Collection method: clinical testing. Allele origin: germline.
Comment: In summary, the available evidence is currently insufficient to determine the role of this variant in disease. Therefore, it has been classified as a Variant of Uncertain Significance. Algorithms developed to predict the effect of missense changes on protein structure and function (SIFT, PolyPhen-2, Align-GVGD) all suggest that this variant is likely to be disruptive, but these predictions have not been confirmed by published functional studies and their clinical significance is uncertain. This sequence change replaces asparagine with serine at codon 799 of the ALK protein (p.Asn799Ser). The asparagine residue is highly conserved and there is a small physicochemical difference between asparagine and serine. This variant is present in population databases (rs563120454, ExAC 0.009%). This variant has not been reported in the literature in individuals with ALK-related conditions.